The following is an entry in ClinVar:

NM_054012.4(ASS1):c.889A>G (p.Ile297Val)

Gene: ASS1 (argininosuccinate synthase 1; plus strand). Cytogenetic location: 9q34.11.
Variant type: single nucleotide variant.
Coding change: c.889A>G on transcript NM_054012.4 (MANE Select); coding-DNA position 889, A replaced by G.
Protein change: p.Ile297Val; replaces isoleucine 297 with valine.
Molecular consequence: missense variant.
Genome position (GRCh38, 1-based): chr9:130,489,383, A>G. VCF-style: chr9-130489383-A-G. GRCh37 (hg19) VCF-style: chr9-133364770-A-G.
Other names: c.889A>G, p.Ile297Val (NM_000050.4); short protein forms I297V.
Identifiers: ClinVar variation 1503408 (VCV001503408.5), dbSNP rs757629975, ClinGen allele CA5283566.

ClinVar aggregate classification (germline): Uncertain significance (1 of 4 stars; one submission).

Conditions:
Citrullinemia. Identifiers: Orphanet 187, MedGen C0175683, MONDO:0015991.

Allele frequency attached by ClinVar (database versions not stated): gnomAD 0.00001; TOPMed 0.00001; gnomAD exomes 0.00003 and 0.00008; ExAC 0.00006.
gnomAD v4.1: 20 of 1,613,940 alleles (0.0012%); highest among the groups gnomAD compares: Admixed American, 0.033%; no homozygotes.

Submission:

Labcorp Genetics (formerly Invitae), Labcorp
Classification: Uncertain significance for Citrullinemia. Last evaluated: 2024-12-09. Review status: criteria provided, single submitter. Criteria: Invitae Variant Classification Sherloc (09022015). Collection method: clinical testing. Allele origin: germline.
Comment: This sequence change replaces isoleucine, which is neutral and non-polar, with valine, which is neutral and non-polar, at codon 297 of the ASS1 protein (p.Ile297Val). This variant is present in population databases (rs757629975, gnomAD 0.06%). This variant has not been reported in the literature in individuals affected with ASS1-related conditions. ClinVar contains an entry for this variant (Variation ID: 1503408). Invitae Evidence Modeling of protein sequence and biophysical properties (such as structural, functional, and spatial information, amino acid conservation, physicochemical variation, residue mobility, and thermodynamic stability) indicates that this missense variant is not expected to disrupt ASS1 protein function with a negative predictive value of 80%. In summary, the available evidence is currently insufficient to determine the role of this variant in disease. Therefore, it has been classified as a Variant of Uncertain Significance.